The following is an entry in ClinVar:

NM_031924.8(RSPH3):c.547A>G (p.Thr183Ala)

Gene: RSPH3 (radial spoke head 3; minus strand). Cytogenetic location: 6q25.3.
Variant type: single nucleotide variant.
Coding change: c.547A>G on transcript NM_031924.8 (MANE Select); coding-DNA position 547, A replaced by G.
Protein change: p.Thr183Ala; replaces threonine 183 with alanine.
Molecular consequence: missense variant. On other transcripts: non-coding transcript variant (1).
Genome position (GRCh38, 1-based): chr6:158,982,634, T>C on the plus strand (A>G on the coding strand, the complement: RSPH3 is on the minus strand). VCF-style: chr6-158982634-T-C. GRCh37 (hg19) VCF-style: chr6-159403666-T-C.
Other names: c.685A>G, p.Thr229Ala (NM_001346418.1); short protein forms T183A, T229A.
Identifiers: ClinVar variation 1490407 (VCV001490407.4), dbSNP rs1166371359, ClinGen allele CA366280650.

ClinVar aggregate classification (germline): Uncertain significance (1 of 4 stars; one submission).

Conditions:
Primary ciliary dyskinesia 32. Also called: CILIARY DYSKINESIA, PRIMARY, 32, WITHOUT SITUS INVERSUS. Identifiers: Orphanet 244, MedGen C4225311, MONDO:0014657, OMIM 616481.

Allele frequency attached by ClinVar (database versions not stated): gnomAD exomes below 0.00001; TOPMed below 0.00001.
gnomAD v4.1: 1 of 1,614,068 alleles (0.000062%); highest among the groups gnomAD compares: Admixed American, 0.0017%; no homozygotes.

Submission:

Labcorp Genetics (formerly Invitae), Labcorp
Classification: Uncertain significance for Primary ciliary dyskinesia 32. Last evaluated: 2024-10-15. Review status: criteria provided, single submitter. Criteria: Invitae Variant Classification Sherloc (09022015). Collection method: clinical testing. Allele origin: germline.
Comment: This sequence change replaces threonine, which is neutral and polar, with alanine, which is neutral and non-polar, at codon 325 of the RSPH3 protein (p.Thr325Ala). This variant is present in population databases (no rsID available, gnomAD 0.003%). This variant has not been reported in the literature in individuals affected with RSPH3-related conditions. ClinVar contains an entry for this variant (Variation ID: 1490407). An algorithm developed to predict the effect of missense changes on protein structure and function (PolyPhen-2) suggests that this variant is likely to be disruptive. In summary, the available evidence is currently insufficient to determine the role of this variant in disease. Therefore, it has been classified as a Variant of Uncertain Significance.